The following is an entry in ClinVar:

NM_001130987.2(DYSF):c.4419C>A (p.Asp1473Glu)

Gene: DYSF (dysferlin; plus strand). Cytogenetic location: 2p13.2.
Variant type: single nucleotide variant.
Coding change: c.4419C>A on transcript NM_001130987.2 (MANE Select); coding-DNA position 4419, C replaced by A.
Protein change: p.Asp1473Glu; replaces aspartic acid 1473 with glutamic acid.
Molecular consequence: missense variant.
Genome position (GRCh38, 1-based): chr2:71,613,365, C>A. VCF-style: chr2-71613365-C-A. GRCh37 (hg19) VCF-style: chr2-71840495-C-A.
Other names: c.4368C>A, p.Asp1456Glu (NM_001130455.2, NM_001130983.2); c.4323C>A, p.Asp1441Glu (NM_001130976.2, NM_001130977.2); c.4365C>A, p.Asp1455Glu (NM_001130978.2, NM_003494.4); c.4458C>A, p.Asp1486Glu (NM_001130979.2); c.4416C>A, p.Asp1472Glu (NM_001130980.2, NM_001130981.2); c.4461C>A, p.Asp1487Glu (NM_001130982.2); c.4326C>A, p.Asp1442Glu (NM_001130984.2, NM_001130986.2); c.4419C>A, p.Asp1473Glu (NM_001130985.2); short protein forms D1486E, D1455E, D1456E, D1442E, D1472E, D1441E, D1473E, D1487E.
Identifiers: ClinVar variation 1496735 (VCV001496735.5), dbSNP rs374705038, ClinGen allele CA347229586.

ClinVar aggregate classification (germline): Uncertain significance (1 of 4 stars; one submission).

Conditions:
Neuromuscular disease caused by qualitative or quantitative defects of dysferlin. Also called: Qualitative or quantitative defects of dysferlin; Dysferlinopathy. Identifiers: Orphanet 207073, MedGen C2931687, MONDO:0016145.

Submission:

Labcorp Genetics (formerly Invitae), Labcorp
Classification: Uncertain significance for Neuromuscular disease caused by qualitative or quantitative defects of dysferlin. Last evaluated: 2021-09-01. Review status: criteria provided, single submitter. Criteria: Invitae Variant Classification Sherloc (09022015). Collection method: clinical testing. Allele origin: germline.
Comment: This sequence change replaces aspartic acid with glutamic acid at codon 1455 of the DYSF protein (p.Asp1455Glu). The aspartic acid residue is moderately conserved and there is a small physicochemical difference between aspartic acid and glutamic acid. This variant is not present in population databases (ExAC no frequency). This variant has not been reported in the literature in individuals affected with DYSF-related conditions. Advanced modeling of protein sequence and biophysical properties (such as structural, functional, and spatial information, amino acid conservation, physicochemical variation, residue mobility, and thermodynamic stability) performed at Invitae indicates that this missense variant is not expected to disrupt DYSF protein function. In summary, the available evidence is currently insufficient to determine the role of this variant in disease. Therefore, it has been classified as a Variant of Uncertain Significance.